The following is an entry in ClinVar:

ClinVar aggregate classification (germline): Uncertain significance (1 of 4 stars; one submission).

Conditions:
Glycogen storage disease type III (GSD3). Also called: Cori disease; FORBES DISEASE. Identifiers: Orphanet 366, MedGen C0017922, MONDO:0009291, OMIM 232400.

Allele frequency attached by ClinVar (database versions not stated): TOPMed below 0.00001; gnomAD 0.00001.
gnomAD v4.1: 9 of 1,608,094 alleles (0.00056%); highest among the groups gnomAD compares: African/African-American, 0.0027%; no homozygotes.

Submission:

Labcorp Genetics (formerly Invitae), Labcorp
Classification: Uncertain significance for Glycogen storage disease type III. Last evaluated: 2021-08-24. Review status: criteria provided, single submitter. Criteria: Invitae Variant Classification Sherloc (09022015). Collection method: clinical testing. Allele origin: germline.
Comment: This sequence change replaces isoleucine with arginine at codon 437 of the AGL protein (p.Ile437Arg). The isoleucine residue is weakly conserved and there is a moderate physicochemical difference between isoleucine and arginine. This variant is not present in population databases (ExAC no frequency). This variant has not been reported in the literature in individuals affected with AGL-related conditions. Algorithms developed to predict the effect of missense changes on protein structure and function are either unavailable or do not agree on the potential impact of this missense change (SIFT: "Deleterious"; PolyPhen-2: "Benign"; Align-GVGD: "Class C0"). In summary, the available evidence is currently insufficient to determine the role of this variant in disease. Therefore, it has been classified as a Variant of Uncertain Significance.

NM_000642.3(AGL):c.1310T>G (p.Ile437Arg)

Gene: AGL (amylo-alpha-1,6-glucosidase and 4-alpha-glucanotransferase; plus strand). Cytogenetic location: 1p21.2.
Variant type: single nucleotide variant.
Coding change: c.1310T>G on transcript NM_000642.3 (MANE Select); coding-DNA position 1310, T replaced by G.
Protein change: p.Ile437Arg; replaces isoleucine 437 with arginine.
Molecular consequence: missense variant.
Genome position (GRCh38, 1-based): chr1:99,876,484, T>G. VCF-style: chr1-99876484-T-G. GRCh37 (hg19) VCF-style: chr1-100342040-T-G.
Other names: c.1310T>G, p.Ile437Arg (NM_000028.3, NM_000643.3, NM_000644.3 and 2 more transcripts); c.1262T>G, p.Ile421Arg (NM_000646.3); c.1109T>G, p.Ile370Arg (NM_001425327.1); c.1106T>G, p.Ile369Arg (NM_001425328.1, NM_001425329.1); c.932T>G, p.Ile311Arg (NM_001425332.1); short protein forms I421R, I437R, I311R, I369R, I370R.
Identifiers: ClinVar variation 1062940 (VCV001062940.6), dbSNP rs1382017908, ClinGen allele CA341345888.